The following is an entry in ClinVar:

NM_001378452.1(ITPR1):c.8191-10_8191-7dup

Gene: ITPR1 (inositol 1,4,5-trisphosphate receptor type 1; plus strand). Cytogenetic location: 3p26.1.
Variant type: Duplication.
Coding change: c.8191-10_8191-7dup on transcript NM_001378452.1 (MANE Select); 10 bases into the intron before coding-DNA position 8191 through 7 bases into the intron before coding-DNA position 8191, 4 bases duplicated (AACT; older notation c.8191-10_8191-7dupAACT).
Molecular consequence: intron variant.
Genome position (GRCh38, 1-based): chr3:4,846,129-4,846,132, AACT duplicated; duplicating any 4 consecutive bases within chr3:4,846,128-4,846,132 gives the same sequence; the c. name uses the placement nearest the transcript's 3' end. VCF-style (leftmost placement, unchanged base first): chr3-4846127-T-TTAAC. GRCh37 (hg19) VCF-style: chr3-4887811-T-TTAAC.
Other names: c.8047-10_8047-7dup (NM_001099952.4); c.8146-10_8146-7dup (NM_001168272.2); c.8002-10_8002-7dup (NM_002222.7).
Identifiers: ClinVar variation 3623357 (VCV003623357.2).

ClinVar aggregate classification (germline): Uncertain significance (1 of 4 stars; one submission).

Submission:

Labcorp Genetics (formerly Invitae), Labcorp
Classification: Uncertain significance. Last evaluated: 2024-08-04. Review status: criteria provided, single submitter. Criteria: Invitae Variant Classification Sherloc (09022015). Collection method: clinical testing. Allele origin: germline.
Comment: This sequence change falls in intron 57 of the ITPR1 gene. It does not directly change the encoded amino acid sequence of the ITPR1 protein. This variant is present in population databases (rs750583458, gnomAD 0.002%). This variant has not been reported in the literature in individuals affected with ITPR1-related conditions. Algorithms developed to predict the effect of sequence changes on RNA splicing suggest that this variant may disrupt the consensus splice site. In summary, the available evidence is currently insufficient to determine the role of this variant in disease. Therefore, it has been classified as a Variant of Uncertain Significance.